The following is an entry in ClinVar:

ClinVar aggregate classification (germline): Conflicting classifications of pathogenicity. Review status: criteria provided, conflicting classifications (1 of 4 stars). 6 submissions from 6 submitters: Uncertain significance (3); Likely benign (2). 1 of the submissions does not count toward it. Last evaluated 2026-04-21.

Conditions:
Hereditary cancer-predisposing syndrome. Also called: Neoplastic Syndromes, Hereditary; Hereditary neoplastic syndrome; Tumor predisposition; Hereditary Cancer Syndrome. Identifiers: Orphanet 140162, MedGen C0027672, MeSH D009386, MONDO:0015356.
Cardiovascular phenotype. Identifiers: MedGen CN230736.
Neurofibromatosis, type 1 (NF1). Also called: VON RECKLINGHAUSEN DISEASE; NEUROFIBROMATOSIS, TYPE I, SOMATIC; Peripheral type neurofibromatosis; Neurofibromatosis, type I. Identifiers: Orphanet 636, MedGen C0027831, MONDO:0018975, OMIM 162200. Disease mechanism: loss of function.

Allele frequency attached by ClinVar (database versions not stated): gnomAD exomes 0.00001 and 0.00004; gnomAD 0.00005 and 0.00006; 1000 Genomes Project 30x 0.00016; 1000 Genomes Project 0.00020; ExAC 0.00002.

Submissions (6):

Ambry Genetics
Classification: Likely benign for Cardiovascular phenotype; Hereditary cancer-predisposing syndrome. Last evaluated: 2026-04-21. Review status: criteria provided, single submitter. Criteria: Ambry Variant Classification Scheme 2023. Collection method: clinical testing. Allele origin: germline.

Labcorp Genetics (formerly Invitae), Labcorp
Classification: Likely benign for Neurofibromatosis, type 1. Last evaluated: 2026-01-28. Review status: criteria provided, single submitter. Criteria: Invitae Variant Classification Sherloc (09022015). Collection method: clinical testing. Allele origin: germline.

GeneDx
Classification: Uncertain significance. Last evaluated: 2023-10-19. Review status: criteria provided, single submitter. Criteria: GeneDx Variant Classification Process June 2021. Collection method: clinical testing. Allele origin: germline. Affected: yes.
Comment: In silico analysis supports that this missense variant has a deleterious effect on protein structure/function; Reported in a patient with clinical features suggestive of NF1; however, clinical diagnostic criteria was not fulfilled (Mattocks et al., 2004); Reported in patients with breast cancer in published literature (Momozawa et al., 2018); This variant is associated with the following publications: (PMID: 24803665, 25486365, 2121369, 15060124, 30287823)

Genome-Nilou Lab
Classification: Uncertain significance for Neurofibromatosis, type 1. Last evaluated: 2022-03-15. Review status: criteria provided, single submitter. Criteria: ACMG Guidelines, 2015. Collection method: clinical testing. Allele origin: germline. Affected: no.

Gharavi Laboratory, Columbia University
Classification: Uncertain significance. Last evaluated: 2018-09-16. Review status: criteria provided, single submitter. Criteria: ACMG Guidelines, 2015. Collection method: research. Allele origin: germline. Affected: no.

UniProtKB/Swiss-Prot
No classification provided. Review status: no classification provided. Collection method: not provided. Allele origin: not provided. Not counted in ClinVar's aggregate classification.

Literature cited by the submitters: PubMed 15060124 (cited by Ambry Genetics); PubMed 24803665 (cited by Ambry Genetics); PubMed 30287823 (cited by Ambry Genetics).

NM_001042492.3(NF1):c.3217A>G (p.Met1073Val)

Gene: NF1 (neurofibromin 1; plus strand). Cytogenetic location: 17q11.2.
Variant type: single nucleotide variant.
Coding change: c.3217A>G on transcript NM_001042492.3 (MANE Select); coding-DNA position 3217, A replaced by G.
Protein change: p.Met1073Val; replaces methionine 1073 with valine.
Molecular consequence: missense variant.
Genome position (GRCh38, 1-based): chr17:31,232,092, A>G. VCF-style: chr17-31232092-A-G. GRCh37 (hg19) VCF-style: chr17-29559110-A-G.
Other names: c.3217A>G, p.Met1073Val (NM_000267.4); short protein forms M1073V.
Identifiers: ClinVar variation 68330 (VCV000068330.19), dbSNP rs199474740, ClinGen allele CA219502.